The following is an entry in ClinVar:

ClinVar aggregate classification (germline): Uncertain significance (1 of 4 stars; one submission).

Conditions:
Gastrointestinal stromal tumor. Also called: Gastrointestinal stromal tumor, somatic; Gastrointestinal stroma tumor. Identifiers: Orphanet 44890, MedGen C0238198, MeSH D046152, MONDO:0011719, OMIM 606764, HP:0100723.

Submission:

Labcorp Genetics (formerly Invitae), Labcorp
Classification: Uncertain significance for Gastrointestinal stromal tumor. Last evaluated: 2020-08-26. Review status: criteria provided, single submitter. Criteria: Invitae Variant Classification Sherloc (09022015). Collection method: clinical testing. Allele origin: germline.
Comment: This sequence change creates a premature translational stop signal (p.Leu871Thrfs*7) in the PDGFRA gene. It is expected to result in an absent or disrupted protein product. This variant is not present in population databases (ExAC no frequency). This variant has not been reported in the literature in individuals with PDGFRA-related conditions. The current clinical and genetic evidence is not sufficient to establish whether loss-of-function variants in PDGFRA cause disease. In summary, the available evidence is currently insufficient to determine the role of this variant in disease. Therefore, it has been classified as a Variant of Uncertain Significance.

NM_006206.6(PDGFRA):c.2606_2610dup (p.Leu871fs)

Gene: PDGFRA (platelet derived growth factor receptor alpha; plus strand). Cytogenetic location: 4q12.
Variant type: Duplication.
Coding change: c.2606_2610dup on transcript NM_006206.6 (MANE Select); coding-DNA positions 2606 to 2610, 5 bases duplicated (ACAAC; older notation c.2606_2610dupACAAC).
Protein change: p.Leu871fs; shifts the reading frame from leucine 871.
Molecular consequence: frameshift variant.
Genome position (GRCh38, 1-based): chr4:54,287,473-54,287,477, ACAAC duplicated. VCF-style (leftmost placement, unchanged base first): chr4-54287472-G-GACAAC. GRCh37 (hg19) VCF-style: chr4-55153639-G-GACAAC.
Other names: c.2681_2685dup, p.Leu896fs (NM_001347828.2); c.2606_2610dup, p.Leu871fs (NM_001347829.2); c.2645_2649dup, p.Leu884fs (NM_001347830.2); short protein forms L871fs, L884fs, L896fs.
Identifiers: ClinVar variation 1023274 (VCV001023274.7), dbSNP rs1724415984, ClinGen allele CA1458538353.